The following is an entry in ClinVar:

NM_144670.6(A2ML1):c.2206A>T (p.Thr736Ser)

Gene: A2ML1 (alpha-2-macroglobulin like 1; plus strand). Cytogenetic location: 12p13.31.
Variant type: single nucleotide variant.
Coding change: c.2206A>T on transcript NM_144670.6 (MANE Select); coding-DNA position 2206, A replaced by T.
Protein change: p.Thr736Ser; replaces threonine 736 with serine.
Molecular consequence: missense variant.
Genome position (GRCh38, 1-based): chr12:8,850,246, A>T. VCF-style: chr12-8850246-A-T. GRCh37 (hg19) VCF-style: chr12-9002842-A-T.
Other names: c.733A>T, p.Thr245Ser (NM_001282424.3); short protein forms T245S, T736S.
Identifiers: ClinVar variation 3229190 (VCV003229190.1), dbSNP rs2539251753, ClinGen allele CA383832351.
Genomic context (GRCh38, chr12:8,850,246, plus strand): 5'-GAGTCATCAACTCCTTTACATCAAGCAGAGGATTCTCAGGTCCGCCAGTACTTCCCAGAG[A>T]CCTGGCTCTGGGATCTGTTTCCTATTGGGTAAGTGATGACTCAAAAGTACAGTAAAGGGC-3'
Protein context (NP_653271.3, residues 726-746): DSQVRQYFPE[Thr736Ser]WLWDLFPIGN

ClinVar aggregate classification (germline): Uncertain significance (1 of 4 stars; one submission).

Submission:

Ambry Genetics
Classification: Uncertain significance. Last evaluated: 2023-12-21. Review status: criteria provided, single submitter. Criteria: Ambry Variant Classification Scheme 2023. Collection method: clinical testing. Allele origin: germline.
Comment: The p.T736S variant (also known as c.2206A>T), located in coding exon 18 of the A2ML1 gene, results from an A to T substitution at nucleotide position 2206. The threonine at codon 736 is replaced by serine, an amino acid with similar properties. This amino acid position is conserved. In addition, this alteration is predicted to be tolerated by in silico analysis. Since supporting evidence is limited at this time, the clinical significance of this alteration remains unclear.